The following is an entry in ClinVar:

ClinVar aggregate classification (germline): Uncertain significance. Review status: criteria provided, multiple submitters, no conflicts (2 of 4 stars). 2 submissions from 2 submitters: Uncertain significance (2). Last evaluated 2024-02-23.

Conditions:
Inborn genetic diseases. Identifiers: MedGen C0950123, MeSH D030342.
Combined immunodeficiency due to MALT1 deficiency. Also called: Immunodeficiency 12. Identifiers: Orphanet 397964, MedGen C3809583, MONDO:0014197, OMIM 615468.

Allele frequency attached by ClinVar (database versions not stated): gnomAD 0.00001; gnomAD exomes 0.00001; TOPMed 0.00002.

Submissions (2):

Labcorp Genetics (formerly Invitae), Labcorp
Classification: Uncertain significance for Combined immunodeficiency due to MALT1 deficiency. Last evaluated: 2024-02-23. Review status: criteria provided, single submitter. Criteria: Invitae Variant Classification Sherloc (09022015). Collection method: clinical testing. Allele origin: germline.
Comment: This sequence change replaces valine, which is neutral and non-polar, with methionine, which is neutral and non-polar, at codon 277 of the MALT1 protein (p.Val277Met). This variant is present in population databases (no rsID available, gnomAD 0.02%). This variant has not been reported in the literature in individuals affected with MALT1-related conditions. ClinVar contains an entry for this variant (Variation ID: 2422120). An algorithm developed to predict the effect of missense changes on protein structure and function (PolyPhen-2) suggests that this variant is likely to be disruptive. Algorithms developed to predict the effect of sequence changes on RNA splicing suggest that this variant may disrupt the consensus splice site. In summary, the available evidence is currently insufficient to determine the role of this variant in disease. Therefore, it has been classified as a Variant of Uncertain Significance.

Ambry Genetics
Classification: Uncertain significance for Inborn genetic diseases. Last evaluated: 2023-09-22. Review status: criteria provided, single submitter. Criteria: Ambry Variant Classification Scheme 2023. Collection method: clinical testing. Allele origin: germline.

NM_006785.4(MALT1):c.829G>A (p.Val277Met)

Gene: MALT1 (MALT1 paracaspase; plus strand). Cytogenetic location: 18q21.32.
Variant type: single nucleotide variant.
Coding change: c.829G>A on transcript NM_006785.4 (MANE Select); coding-DNA position 829, G replaced by A.
Protein change: p.Val277Met; replaces valine 277 with methionine.
Molecular consequence: missense variant.
Genome position (GRCh38, 1-based): chr18:58,709,976, G>A. VCF-style: chr18-58709976-G-A. GRCh37 (hg19) VCF-style: chr18-56377208-G-A.
Other names: c.829G>A, p.Val277Met (NM_173844.3); c.829G>A (NM_006785.2); short protein forms V277M.
Identifiers: ClinVar variation 2422120 (VCV002422120.7), dbSNP rs1413199999, ClinGen allele CA402573481.